The following is an entry in ClinVar:

NM_003718.5(CDK13):c.2171A>G (p.Asp724Gly)

Gene: CDK13 (cyclin dependent kinase 13; plus strand). Cytogenetic location: 7p14.1.
Variant type: single nucleotide variant.
Coding change: c.2171A>G on transcript NM_003718.5 (MANE Select); coding-DNA position 2171, A replaced by G.
Protein change: p.Asp724Gly; replaces aspartic acid 724 with glycine.
Molecular consequence: missense variant.
Genome position (GRCh38, 1-based): chr7:39,999,489, A>G. VCF-style: chr7-39999489-A-G. GRCh37 (hg19) VCF-style: chr7-40039088-A-G.
Other names: c.2171A>G, p.Asp724Gly (NM_031267.4); short protein forms D724G.
Identifiers: ClinVar variation 1312274 (VCV001312274.2), dbSNP rs757671907, ClinGen allele CA4228644.
Genomic context (GRCh38, chr7:39,999,489, plus strand): 5'-AATTTGATATCATCGGAATTATTGGAGAAGGTACTTACGGACAAGTTTACAAAGCCAGGG[A>G]TAAAGACACTGGTAAGAATGCCAAGTTCTGGGGATCTTTGGGCCTACGGAATGTACTTAG-3'
Protein context (NP_003709.3, residues 714-734): GTYGQVYKAR[Asp724Gly]KDTGEMVALK

ClinVar aggregate classification (germline): Uncertain significance (1 of 4 stars; one submission).

Allele frequency attached by ClinVar (database versions not stated): gnomAD exomes below 0.00001 and 0.00001; ExAC 0.00001.
gnomAD v4.1: 3 of 1,607,152 alleles (0.00019%); highest among the groups gnomAD compares: Non-Finnish European, 0.000085%; no homozygotes.

Submission:

GeneDx
Classification: Uncertain significance. Last evaluated: 2019-09-18. Review status: criteria provided, single submitter. Criteria: GeneDx Variant Classification Process June 2021. Collection method: clinical testing. Allele origin: germline. Affected: yes.
Comment: In silico analysis, which includes protein predictors and evolutionary conservation, supports a deleterious effect; In addition, in silico splice predictors suggest this variant may lead to abnormal gene splicing; In the absence of RNA/functional studies, the actual effect of this sequence change is unknown; Has not been previously published as pathogenic or benign to our knowledge